The following is an entry in ClinVar:

NM_000514.4(GDNF):c.*1199A>T

Gene: GDNF (glial cell derived neurotrophic factor; minus strand). Cytogenetic location: 5p13.2.
Variant type: single nucleotide variant.
Coding change: c.*1199A>T on transcript NM_000514.4 (MANE Select); 1199 bases downstream of the stop codon, A replaced by T.
Molecular consequence: 3 prime UTR variant.
Genome position (GRCh38, 1-based): chr5:37,814,452, T>A on the plus strand (A>T on the coding strand, the complement: GDNF is on the minus strand). VCF-style: chr5-37814452-T-A. GRCh37 (hg19) VCF-style: chr5-37814554-T-A.
Other names: c.*1199A>T (NM_001190468.1, NM_001190469.1, NM_001278098.1 and 1 more transcripts).
Identifiers: ClinVar variation 907078 (VCV000907078.4), dbSNP rs77668737, ClinGen allele CA117492932.

ClinVar aggregate classification (germline): Benign (1 of 4 stars; one submission).

Conditions:
Hirschsprung disease, susceptibility to, 3. Identifiers: Orphanet 388, MedGen C3150974, MONDO:0013383, OMIM 613711.

Allele frequency attached by ClinVar (database versions not stated): gnomAD 0.00033 and 0.00040; TOPMed 0.00045; 1000 Genomes Project 30x 0.00156; 1000 Genomes Project 0.00200.

Submission:

Illumina Laboratory Services, Illumina
Classification: Benign for Hirschsprung disease, susceptibility to, 3. Last evaluated: 2018-01-12. Review status: criteria provided, single submitter. Criteria: ICSL Variant Classification Criteria 13 December 2019. Collection method: clinical testing. Allele origin: germline.
Comment: This variant was observed in the ICSL laboratory as part of a predisposition screen in an ostensibly healthy population. It had not been previously curated by ICSL or reported in the Human Gene Mutation Database (HGMD: prior to June 1st, 2018), and was therefore a candidate for classification through an automated scoring system. Utilizing variant allele frequency, disease prevalence and penetrance estimates, and inheritance mode, an automated score was calculated to assess if this variant is too frequent to cause the disease. Based on the score and internal cut-off values, a variant classified as benign is not then subjected to further curation. The score for this variant resulted in a classification of benign for this disease.